The following is an entry in ClinVar:

ClinVar aggregate classification (germline): Uncertain significance (1 of 4 stars; one submission).

Submission:

GeneDx
Classification: Uncertain significance. Last evaluated: 2022-10-03. Review status: criteria provided, single submitter. Criteria: GeneDx Variant Classification Process June 2021. Collection method: clinical testing. Allele origin: germline. Affected: yes.
Comment: Not observed at significant frequency in large population cohorts (gnomAD); In silico analysis supports that this missense variant does not alter protein structure/function; Has not been previously published as pathogenic or benign to our knowledge

NM_139137.4(KCNC2):c.239G>T (p.Gly80Val)

Gene: KCNC2 (potassium voltage-gated channel subfamily C member 2; minus strand). Cytogenetic location: 12q21.1.
Variant type: single nucleotide variant.
Coding change: c.239G>T on transcript NM_139137.4 (MANE Select); coding-DNA position 239, G replaced by T.
Protein change: p.Gly80Val; replaces glycine 80 with valine.
Molecular consequence: missense variant. On other transcripts: non-coding transcript variant (2).
Genome position (GRCh38, 1-based): chr12:75,207,745, C>A on the plus strand (G>T on the coding strand, the complement: KCNC2 is on the minus strand). VCF-style: chr12-75207745-C-A. GRCh37 (hg19) VCF-style: chr12-75601525-C-A.
Other names: c.239G>T, p.Gly80Val (NM_001260497.2, NM_001260498.2, NM_001260499.2 and 13 more transcripts); short protein forms G80V.
Identifiers: ClinVar variation 2446479 (VCV002446479.1), dbSNP rs2548169351, ClinGen allele CA385786342.